The following is an entry in ClinVar:

ClinVar aggregate classification (germline): Benign/Likely benign. Review status: criteria provided, multiple submitters, no conflicts (2 of 4 stars). 6 submissions from 6 submitters: Benign (2); Likely benign (4). Last evaluated 2026-01-14.

Conditions:
Cardiovascular phenotype. Identifiers: MedGen CN230736.

Allele frequency attached by ClinVar (database versions not stated): gnomAD exomes 0.00010 and 0.00038; ExAC 0.00049; gnomAD 0.00148 and 0.00160; TOPMed 0.00155; ESP Exome Variant Server 0.00177; 1000 Genomes Project 0.00240; 1000 Genomes Project 30x 0.00250.
gnomAD v4.1: 370 of 1,614,180 alleles (0.023%); highest among the groups gnomAD compares: African/African-American, 0.44%; no homozygotes.

Submissions (6):

Labcorp Genetics (formerly Invitae), Labcorp
Classification: Benign. Last evaluated: 2026-01-14. Review status: criteria provided, single submitter. Criteria: Invitae Variant Classification Sherloc (09022015). Collection method: clinical testing. Allele origin: germline.

Blueprint Genetics
Classification: Likely benign. Last evaluated: 2024-02-12. Review status: criteria provided, single submitter. Criteria: ACMG Guidelines, 2015. Collection method: clinical testing. Allele origin: germline.

Women's Health and Genetics/Laboratory Corporation of America, LabCorp
Classification: Likely benign. Last evaluated: 2023-08-06. Review status: criteria provided, single submitter. Criteria: LabCorp Variant Classification Summary - May 2015. Collection method: clinical testing. Allele origin: germline.

CeGaT Center for Human Genetics Tuebingen
Classification: Likely benign. Last evaluated: 2023-02-01. Review status: criteria provided, single submitter. Criteria: CeGaT Center For Human Genetics Tuebingen Variant Classification Criteria Version 2. Collection method: clinical testing. Allele origin: germline. Affected: yes. Observed: 1 variant allele.
Comment: ABCA1: BP4, BP7

Ambry Genetics
Classification: Likely benign for Cardiovascular phenotype. Last evaluated: 2022-05-30. Review status: criteria provided, single submitter. Criteria: Ambry Variant Classification Scheme 2023. Collection method: clinical testing. Allele origin: germline.

Breakthrough Genomics
Classification: Benign. Review status: criteria provided, single submitter. Criteria: ACMG Guidelines, 2015. Collection method: not provided. Allele origin: germline. Inheritance: Autosomal recessive inheritance. Affected: yes.

NM_005502.4(ABCA1):c.1524C>T (p.Asn508=)

Gene: ABCA1 (ATP binding cassette subfamily A member 1; minus strand). Cytogenetic location: 9q31.1.
Variant type: single nucleotide variant.
Coding change: c.1524C>T on transcript NM_005502.4 (MANE Select); coding-DNA position 1524, C replaced by T.
Protein change: p.Asn508=; no amino-acid change (asparagine 508 retained).
Molecular consequence: synonymous variant.
Genome position (GRCh38, 1-based): chr9:104,831,813, G>A on the plus strand (C>T on the coding strand, the complement: ABCA1 is on the minus strand). VCF-style: chr9-104831813-G-A. GRCh37 (hg19) VCF-style: chr9-107594094-G-A.
Identifiers: ClinVar variation 728873 (VCV000728873.38), dbSNP rs142239617, ClinGen allele CA5168974.